The following is an entry in ClinVar:

NM_000448.3(RAG1):c.2903_2907del (p.Asn968fs)

Gene: RAG1 (recombination activating 1; plus strand). Cytogenetic location: 11p12.
Variant type: Deletion.
Coding change: c.2903_2907del on transcript NM_000448.3 (MANE Select); coding-DNA positions 2903 to 2907, 5 bases deleted (ACAAA; older notation c.2903_2907delACAAA).
Protein change: p.Asn968fs; shifts the reading frame from asparagine 968.
Molecular consequence: frameshift variant.
Genome position (GRCh38, 1-based): chr11:36,576,207-36,576,211, ACAAA deleted; deleting any 5 consecutive bases within chr11:36,576,206-36,576,211 gives the same sequence; the c. name uses the placement nearest the transcript's 3' end. VCF-style (leftmost placement, unchanged base first): chr11-36576205-TAACAA-T. GRCh37 (hg19) VCF-style: chr11-36597755-TAACAA-T.
Other names: c.2903_2907del, p.Asn968fs (NM_001377277.1, NM_001377278.1, NM_001377279.1 and 1 more transcripts); short protein forms N968fs.
Identifiers: ClinVar variation 2953108 (VCV002953108.3), dbSNP rs2494762661, ClinGen allele CA2740093706.

ClinVar aggregate classification (germline): Pathogenic (1 of 4 stars; one submission).

Conditions:
Combined immunodeficiency with skin granulomas. Identifiers: Orphanet 157949, MedGen C2673536, MONDO:0009306, OMIM 233650.
Severe combined immunodeficiency, autosomal recessive, T cell-negative, B cell-negative, NK cell-positive. Also called: SCID, T CELL-NEGATIVE, B CELL-NEGATIVE, NK CELL-POSITIVE; Severe combined immunodeficiency due to complete RAG1/2 deficiency; SCID, AR, T-cell negative, B-cell negative, NK cell-positive. Identifiers: Orphanet 331206, MedGen C1832322, MONDO:0011086, OMIM 601457.

Submission:

Labcorp Genetics (formerly Invitae), Labcorp
Classification: Pathogenic for Combined immunodeficiency with skin granulomas; Severe combined immunodeficiency, autosomal recessive, T cell-negative, B cell-negative, NK cell-positive. Last evaluated: 2023-10-20. Review status: criteria provided, single submitter. Criteria: Invitae Variant Classification Sherloc (09022015). Collection method: clinical testing. Allele origin: germline.
Comment: This sequence change creates a premature translational stop signal (p.Asn968Thrfs*3) in the RAG1 gene. While this is not anticipated to result in nonsense mediated decay, it is expected to disrupt the last 76 amino acid(s) of the RAG1 protein. This variant is not present in population databases (gnomAD no frequency). This variant has not been reported in the literature in individuals affected with RAG1-related conditions. This variant disrupts a region of the RAG1 protein in which other variant(s) (p.His994Arg) have been determined to be pathogenic (PMID: 33193364; Invitae). This suggests that this is a clinically significant region of the protein, and that variants that disrupt it are likely to be disease-causing. For these reasons, this variant has been classified as Pathogenic.

Literature cited by the submitters: PubMed 33193364.